The following is an entry in ClinVar:

ClinVar aggregate classification (germline): Uncertain significance (1 of 4 stars; one submission).

Conditions:
Neuromuscular disease caused by qualitative or quantitative defects of dysferlin. Also called: Dysferlinopathy; Qualitative or quantitative defects of dysferlin. Identifiers: Orphanet 207073, MedGen C2931687, MONDO:0016145.

Submission:

Labcorp Genetics (formerly Invitae), Labcorp
Classification: Uncertain significance for Neuromuscular disease caused by qualitative or quantitative defects of dysferlin. Last evaluated: 2022-05-31. Review status: criteria provided, single submitter. Criteria: Invitae Variant Classification Sherloc (09022015). Collection method: clinical testing. Allele origin: germline.
Comment: This sequence change replaces histidine, which is basic and polar, with tyrosine, which is neutral and polar, at codon 1753 of the DYSF protein (p.His1753Tyr). This variant is not present in population databases (gnomAD no frequency). This variant has not been reported in the literature in individuals affected with DYSF-related conditions. Advanced modeling of protein sequence and biophysical properties (such as structural, functional, and spatial information, amino acid conservation, physicochemical variation, residue mobility, and thermodynamic stability) performed at Invitae indicates that this missense variant is not expected to disrupt DYSF protein function. Algorithms developed to predict the effect of sequence changes on RNA splicing suggest that this variant may create or strengthen a splice site. In summary, the available evidence is currently insufficient to determine the role of this variant in disease. Therefore, it has been classified as a Variant of Uncertain Significance.

NM_001130987.2(DYSF):c.5374C>T (p.His1792Tyr)

Gene: DYSF (dysferlin; plus strand). Cytogenetic location: 2p13.2.
Variant type: single nucleotide variant.
Coding change: c.5374C>T on transcript NM_001130987.2 (MANE Select); coding-DNA position 5374, C replaced by T.
Protein change: p.His1792Tyr; replaces histidine 1792 with tyrosine.
Molecular consequence: missense variant.
Genome position (GRCh38, 1-based): chr2:71,667,432, C>T. VCF-style: chr2-71667432-C-T. GRCh37 (hg19) VCF-style: chr2-71894562-C-T.
Other names: c.5260C>T, p.His1754Tyr (NM_001130455.2); c.5215C>T, p.His1739Tyr (NM_001130976.2); c.5278C>T, p.His1760Tyr (NM_001130977.2); c.5320C>T, p.His1774Tyr (NM_001130978.2); c.5350C>T, p.His1784Tyr (NM_001130979.2); c.5308C>T, p.His1770Tyr (NM_001130980.2); c.5371C>T, p.His1791Tyr (NM_001130981.2); c.5353C>T, p.His1785Tyr (NM_001130982.2); and 5 more; short protein forms H1740Y, H1792Y, H1774Y, H1775Y, H1791Y, H1739Y, H1754Y, H1760Y.
Identifiers: ClinVar variation 2170205 (VCV002170205.1), dbSNP rs2546561148, ClinGen allele CA347221319.